The following is an entry in ClinVar:

NM_004104.5(FASN):c.4420C>T (p.Leu1474Phe)

Gene: FASN (fatty acid synthase; minus strand). Cytogenetic location: 17q25.3.
Variant type: single nucleotide variant.
Coding change: c.4420C>T on transcript NM_004104.5 (MANE Select); coding-DNA position 4420, C replaced by T.
Protein change: p.Leu1474Phe; replaces leucine 1474 with phenylalanine.
Molecular consequence: missense variant.
Genome position (GRCh38, 1-based): chr17:82,084,943, G>A on the plus strand (C>T on the coding strand, the complement: FASN is on the minus strand). VCF-style: chr17-82084943-G-A. GRCh37 (hg19) VCF-style: chr17-80042819-G-A.
Other names: short protein forms L1474F.
Identifiers: ClinVar variation 1351309 (VCV001351309.8), dbSNP rs1220057320, ClinGen allele CA401546858.
Genomic context (GRCh38, chr17:82,084,943, plus strand): 5'-GCAGTTCTGCGGAGCCCGGGTCCACCTCCGGGACGTGGGAGGTGCTGCTGAGGTTGGAGA[G>A]CAGCACACACCTGGGGGCAGAGGCGGGGAGCTCAGGCTGGGGATGGGGAGGCTGGTGGGG-3'
Protein context (NP_004095.4, residues 1464-1484): PGGNRLRCVL[Leu1474Phe]SNLSSTSHVP

ClinVar aggregate classification (germline): Uncertain significance (1 of 4 stars; one submission).

Conditions:
Epileptic encephalopathy. Identifiers: MedGen C0543888, HP:0200134.

Allele frequency attached by ClinVar (database versions not stated): gnomAD exomes 0.00001.
gnomAD v4.1: 14 of 1,557,742 alleles (0.0009%); highest among the groups gnomAD compares: Non-Finnish European, 0.0012%; no homozygotes.

Submission:

Labcorp Genetics (formerly Invitae), Labcorp
Classification: Uncertain significance for Epileptic encephalopathy. Last evaluated: 2021-05-04. Review status: criteria provided, single submitter. Criteria: Invitae Variant Classification Sherloc (09022015). Collection method: clinical testing. Allele origin: germline.
Comment: This sequence change replaces leucine with phenylalanine at codon 1474 of the FASN protein (p.Leu1474Phe). The leucine residue is weakly conserved and there is a small physicochemical difference between leucine and phenylalanine. This variant is not present in population databases (ExAC no frequency). This variant has not been reported in the literature in individuals with FASN-related conditions. Algorithms developed to predict the effect of missense changes on protein structure and function (SIFT, PolyPhen-2, Align-GVGD) all suggest that this variant is likely to be tolerated, but these predictions have not been confirmed by published functional studies and their clinical significance is uncertain. In summary, the available evidence is currently insufficient to determine the role of this variant in disease. Therefore, it has been classified as a Variant of Uncertain Significance.